The following is an entry in ClinVar:

ClinVar aggregate classification (germline): Pathogenic/Likely pathogenic. Review status: criteria provided, multiple submitters, no conflicts (2 of 4 stars). 3 submissions from 3 submitters: Pathogenic (1); Likely pathogenic (1). 1 of the submissions does not count toward it. Last evaluated 2024-07-17.

Conditions:
Marfan syndrome (MFS). Also called: Marfan syndrome type 1; Marfan syndrome, classic; Marfan's syndrome; FBN1-Related Marfan Syndrome; MARFAN SYNDROME, TYPE I. Identifiers: Orphanet 284963, Orphanet 558, MedGen C0024796, MONDO:0007947, OMIM 154700.
Familial thoracic aortic aneurysm and aortic dissection (TAAD). Also called: Thoracic aortic aneurysms and dissections. Identifiers: Orphanet 91387, MedGen C4707243, MONDO:0019625.

Submissions (3):

GeneDx
Classification: Likely pathogenic. Last evaluated: 2024-07-17. Review status: criteria provided, single submitter. Criteria: GeneDx Variant Classification Process June 2021. Collection method: clinical testing. Allele origin: germline. Affected: yes.
Comment: Not observed at significant frequency in large population cohorts (gnomAD); Affects a cysteine residue within a TGF-binding protein domain (aka TB domain or 8-Cysteine domain) and is expected to disrupt disulfide bonding within this domain; other missense substitutions that affect cysteine residues within TGF-binding protein domains have been reported in association with FBN1-related disorders (PMIDs: 8281141, 21175431, 7622614; HGMD); In silico analysis supports that this missense variant has a deleterious effect on protein structure/function; This variant is associated with the following publications: (PMID: 17984934, 21175431, 15062093, 9362480, 7622614, 8281141)

Labcorp Genetics (formerly Invitae), Labcorp
Classification: Pathogenic for Marfan syndrome; Familial thoracic aortic aneurysm and aortic dissection. Last evaluated: 2024-02-20. Review status: criteria provided, single submitter. Criteria: Invitae Variant Classification Sherloc (09022015). Collection method: clinical testing. Allele origin: germline.
Comment: This sequence change replaces cysteine, which is neutral and slightly polar, with arginine, which is basic and polar, at codon 1008 of the FBN1 protein (p.Cys1008Arg). This variant is not present in population databases (gnomAD no frequency). This missense change has been observed in individual(s) with Marfan syndrome (PMID: 17984934). It has also been observed to segregate with disease in related individuals. ClinVar contains an entry for this variant (Variation ID: 549125). Advanced modeling of protein sequence and biophysical properties (such as structural, functional, and spatial information, amino acid conservation, physicochemical variation, residue mobility, and thermodynamic stability) performed at Invitae indicates that this missense variant is expected to disrupt FBN1 protein function with a positive predictive value of 95%. This variant affects a cysteine residue in the EGF-like, TGFBP or hybrid motif domains of FBN1. Cysteine residues are believed to be involved in intramolecular disulfide bridges and have been shown to be important for FBN1 protein structure (PMID: 16905551, 19349279). In addition, missense substitutions affecting cysteine residues within these domains are significantly overrepresented among patients with Marfan syndrome (PMID: 16571647, 17701892). For these reasons, this variant has been classified as Pathogenic.

Center for Medical Genetics Ghent, University of Ghent
Classification: Likely pathogenic for Marfan syndrome. Last evaluated: 2017-11-07. Review status: no assertion criteria provided. Collection method: clinical testing. Allele origin: de novo. Affected: yes. Not counted in ClinVar's aggregate classification.

Literature cited by the submitters: PubMed 17984934 (cited by Labcorp Genetics (formerly Invitae), Labcorp); PubMed 16905551 (cited by Labcorp Genetics (formerly Invitae), Labcorp); PubMed 19349279 (cited by Labcorp Genetics (formerly Invitae), Labcorp); PubMed 16571647 (cited by Labcorp Genetics (formerly Invitae), Labcorp); PubMed 17701892 (cited by Labcorp Genetics (formerly Invitae), Labcorp).

NM_000138.5(FBN1):c.3022T>C (p.Cys1008Arg)

Gene: FBN1 (fibrillin 1; minus strand). Cytogenetic location: 15q21.1.
Variant type: single nucleotide variant.
Coding change: c.3022T>C on transcript NM_000138.5 (MANE Select); coding-DNA position 3022, T replaced by C.
Protein change: p.Cys1008Arg; replaces cysteine 1008 with arginine.
Molecular consequence: missense variant.
Genome position (GRCh38, 1-based): chr15:48,489,911, A>G on the plus strand (T>C on the coding strand, the complement: FBN1 is on the minus strand). VCF-style: chr15-48489911-A-G. GRCh37 (hg19) VCF-style: chr15-48782108-A-G.
Other names: short protein forms C1008R.
Identifiers: ClinVar variation 549125 (VCV000549125.9), dbSNP rs1555398793, ClinGen allele CA392329001.